The following is an entry in ClinVar:

NM_003282.4(TNNI2):c.221C>T (p.Ala74Val)

Gene: TNNI2 (troponin I2, fast skeletal type; plus strand). Cytogenetic location: 11p15.5.
Variant type: single nucleotide variant.
Coding change: c.221C>T on transcript NM_003282.4 (MANE Select); coding-DNA position 221, C replaced by T.
Protein change: p.Ala74Val; replaces alanine 74 with valine.
Molecular consequence: missense variant.
Genome position (GRCh38, 1-based): chr11:1,840,853, C>T. VCF-style: chr11-1840853-C-T. GRCh37 (hg19) VCF-style: chr11-1862083-C-T.
Other names: c.221C>T, p.Ala74Val (NM_001145829.2, NM_001145841.2); short protein forms A74V.
Identifiers: ClinVar variation 1303224 (VCV001303224.2), dbSNP rs770837715, ClinGen allele CA5815171.

ClinVar aggregate classification (germline): Uncertain significance (1 of 4 stars; one submission).

Allele frequency attached by ClinVar (database versions not stated): gnomAD 0.00002.
gnomAD v4.1: 30 of 1,613,148 alleles (0.0019%); highest among the groups gnomAD compares: East Asian, 0.0089%; no homozygotes.

Submission:

GeneDx
Classification: Uncertain significance. Last evaluated: 2019-11-19. Review status: criteria provided, single submitter. Criteria: GeneDx Variant Classification Process June 2021. Collection method: clinical testing. Allele origin: germline. Affected: yes.
Comment: In silico analysis, which includes protein predictors and evolutionary conservation, supports that this variant does not alter protein structure/function; Has not been previously published as pathogenic or benign to our knowledge